The following is an entry in ClinVar:

ClinVar aggregate classification (germline): Likely benign. Review status: criteria provided, multiple submitters, no conflicts (2 of 4 stars). 6 submissions from 6 submitters: Likely benign (6). Last evaluated 2026-08-01.

Conditions:
Familial thoracic aortic aneurysm and aortic dissection (TAAD). Also called: Thoracic aortic aneurysms and dissections. Identifiers: Orphanet 91387, MedGen C4707243, MONDO:0019625.
Aortic aneurysm, familial thoracic 4 (AAT4). Also called: AORTIC ANEURYSM/AORTIC DISSECTION AND PATENT DUCTUS ARTERIOSUS. Identifiers: MedGen C1851504, MONDO:0007568, OMIM 132900.

Allele frequency attached by ClinVar (database versions not stated): ExAC 0.00002; TOPMed 0.00005; 1000 Genomes Project 0.00020; 1000 Genomes Project 30x 0.00031.
gnomAD v4.1: 36 of 1,614,176 alleles (0.0022%); highest among the groups gnomAD compares: Middle Eastern, 0.016%; no homozygotes.

Submissions (6):

CeGaT Center for Human Genetics Tuebingen
Classification: Likely benign. Last evaluated: 2026-08-01. Review status: criteria provided, single submitter. Criteria: CeGaT Center For Human Genetics Tuebingen Variant Classification Criteria Version 2. Collection method: clinical testing. Allele origin: germline. Affected: yes. Observed: 1 variant allele.
Comment: MYH11: BP4, BP7

Labcorp Genetics (formerly Invitae), Labcorp
Classification: Likely benign for Aortic aneurysm, familial thoracic 4. Last evaluated: 2025-12-29. Review status: criteria provided, single submitter. Criteria: Invitae Variant Classification Sherloc (09022015). Collection method: clinical testing. Allele origin: germline.

All of Us Research Program, National Institutes of Health
Classification: Likely benign for Familial thoracic aortic aneurysm and aortic dissection. Last evaluated: 2023-10-27. Review status: criteria provided, single submitter. Criteria: ACMG Guidelines, 2015. Collection method: clinical testing. Allele origin: germline. Inheritance: Autosomal dominant inheritance. Observed: 4 variant alleles, 4 heterozygotes.
Comment: This study involves interpretation of variants in research participants for the purpose of population health screening. Participant phenotype was not available at the time of variant classification. Additional details can be found in publication PMID: 35346344, PMCID: PMC8962531

Blueprint Genetics
Classification: Likely benign. Last evaluated: 2023-08-22. Review status: criteria provided, single submitter. Criteria: ACMG Guidelines, 2015. Collection method: clinical testing. Allele origin: germline.

Ambry Genetics
Classification: Likely benign for Familial thoracic aortic aneurysm and aortic dissection. Last evaluated: 2021-12-23. Review status: criteria provided, single submitter. Criteria: Ambry Variant Classification Scheme 2023. Collection method: clinical testing. Allele origin: germline.

Color Diagnostics, LLC DBA Color Health
Classification: Likely benign for Familial thoracic aortic aneurysm and aortic dissection. Last evaluated: 2019-06-10. Review status: criteria provided, single submitter. Criteria: ACMG Guidelines, 2015. Collection method: clinical testing. Allele origin: germline.

NM_002474.3(MYH11):c.480G>A (p.Thr160=)

Gene: MYH11 (myosin heavy chain 11; minus strand). Cytogenetic location: 16p13.11.
Variant type: single nucleotide variant.
Coding change: c.480G>A on transcript NM_002474.3 (MANE Select); coding-DNA position 480, G replaced by A.
Protein change: p.Thr160=; no amino-acid change (threonine 160 retained).
Molecular consequence: synonymous variant.
Genome position (GRCh38, 1-based): chr16:15,823,277, C>T on the plus strand (G>A on the coding strand, the complement: MYH11 is on the minus strand). VCF-style: chr16-15823277-C-T. GRCh37 (hg19) VCF-style: chr16-15917134-C-T.
Other names: c.480G>A, p.Thr160= (NM_001040113.2, NM_001040114.2, NM_022844.3).
Identifiers: ClinVar variation 1103626 (VCV001103626.15), dbSNP rs544644151, ClinGen allele CA7923039.